The following is an entry in ClinVar:

ClinVar aggregate classification (germline): Likely benign (0 of 4 stars; one submission).

Conditions:
ERAL1-related disorder. Also called: ERAL1-related condition.

Allele frequency attached by ClinVar (database versions not stated): ExAC 0.00004; TOPMed 0.00008; gnomAD 0.00011; gnomAD exomes 0.00013; ESP Exome Variant Server 0.00015.

Submission:

PreventionGenetics, part of Exact Sciences
Classification: Likely benign for ERAL1-related condition. Last evaluated: 2020-07-09. Review status: no assertion criteria provided. Collection method: clinical testing. Allele origin: germline.
Comment: This variant is classified as likely benign based on ACMG/AMP sequence variant interpretation guidelines (Richards et al. 2015 PMID: 25741868, with internal and published modifications).

NM_005702.4(ERAL1):c.1107G>A (p.Gln369=)

Genes: ERAL1 (Era like 12S mitochondrial rRNA chaperone 1; plus strand), LOC126862526 (BRD4-independent group 4 enhancer GRCh37_chr17:27185111-27186310; plus strand). Cytogenetic location: 17q11.2.
Variant type: single nucleotide variant.
Coding change: c.1107G>A on transcript NM_005702.4 (MANE Select); coding-DNA position 1107, G replaced by A.
Protein change: p.Gln369=; no amino-acid change (glutamine 369 retained).
Molecular consequence: synonymous variant. On other transcripts: non-coding transcript variant (1).
Genome position (GRCh38, 1-based): chr17:28,859,110, G>A. VCF-style: chr17-28859110-G-A. GRCh37 (hg19) VCF-style: chr17-27186128-G-A.
Other names: c.1104G>A, p.Gln368= (NM_001317985.2); c.858G>A, p.Gln286= (NM_001317986.2).
Identifiers: ClinVar variation 3054953 (VCV003054953.2), dbSNP rs373742961, ClinGen allele CA8468780.
Genomic context (GRCh38, chr17:28,859,110, plus strand): 5'-CAACATTATCCGAGAGAAGCTCCTAGAACACCTGCCCCAGGAGGTGCCTTACAATGTACA[G>A]CAGGTACAGAGTGAAGGGTTCTGGGGGCTCTCTATCAGACACACACCTCTACCCAGGTGT-3'
Protein context (NP_005693.1, residues 359-379): HLPQEVPYNV[Gln369=]QKTAVWEEGP